The following is an entry in ClinVar:

NM_001379291.1(BRD4):c.2446G>A (p.Val816Ile)

Gene: BRD4 (bromodomain containing 4; minus strand). Cytogenetic location: 19p13.12.
Variant type: single nucleotide variant.
Coding change: c.2446G>A on transcript NM_001379291.1 (MANE Select); coding-DNA position 2446, G replaced by A.
Protein change: p.Val816Ile; replaces valine 816 with isoleucine.
Molecular consequence: missense variant.
Genome position (GRCh38, 1-based): chr19:15,244,366, C>T on the plus strand (G>A on the coding strand, the complement: BRD4 is on the minus strand). VCF-style: chr19-15244366-C-T. GRCh37 (hg19) VCF-style: chr19-15355177-C-T.
Other names: c.2446G>A, p.Val816Ile (NM_058243.3); short protein forms V816I.
Identifiers: ClinVar variation 2186564 (VCV002186564.3), dbSNP rs760576705, ClinGen allele CA9264945.

ClinVar aggregate classification (germline): Uncertain significance (1 of 4 stars; one submission).

Allele frequency attached by ClinVar (database versions not stated): gnomAD 0.00001; gnomAD exomes 0.00002; TOPMed 0.00003; ExAC 0.00004.
gnomAD v4.1: 25 of 1,599,470 alleles (0.0016%); highest among the groups gnomAD compares: Admixed American, 0.02%; no homozygotes.

Submission:

Labcorp Genetics (formerly Invitae), Labcorp
Classification: Uncertain significance. Last evaluated: 2024-12-28. Review status: criteria provided, single submitter. Criteria: Invitae Variant Classification Sherloc (09022015). Collection method: clinical testing. Allele origin: germline.
Comment: This sequence change replaces valine, which is neutral and non-polar, with isoleucine, which is neutral and non-polar, at codon 816 of the BRD4 protein (p.Val816Ile). This variant is present in population databases (rs760576705, gnomAD 0.02%). This variant has not been reported in the literature in individuals affected with BRD4-related conditions. ClinVar contains an entry for this variant (Variation ID: 2186564). An algorithm developed to predict the effect of missense changes on protein structure and function (PolyPhen-2) suggests that this variant¬†is likely to be tolerated. In summary, the available evidence is currently insufficient to determine the role of this variant in disease. Therefore, it has been classified as a Variant of Uncertain Significance.